The following is an entry in ClinVar:

NM_015506.3(MMACHC):c.321G>A (p.Val107=)

Gene: MMACHC (metabolism of cobalamin associated C; plus strand). Cytogenetic location: 1p34.1.
Variant type: single nucleotide variant.
Coding change: c.321G>A on transcript NM_015506.3 (MANE Select); coding-DNA position 321, G replaced by A.
Protein change: p.Val107=; no amino-acid change (valine 107 retained).
Molecular consequence: synonymous variant.
Genome position (GRCh38, 1-based): chr1:45,508,256, G>A. VCF-style: chr1-45508256-G-A. GRCh37 (hg19) VCF-style: chr1-45973928-G-A.
Other names: p.V107V:GTG>GTA; p.Val107=; c.150G>A, p.Val50= (NM_001330540.2).
Identifiers: ClinVar variation 95702 (VCV000095702.31), dbSNP rs2275276, ClinGen allele CA285689.

ClinVar aggregate classification (germline): Benign. Review status: criteria provided, multiple submitters, no conflicts (2 of 4 stars). 14 submissions from 14 submitters: Benign (11). 3 of the submissions do not count toward it. Last evaluated 2026-02-04.

Conditions:
Disorders of Intracellular Cobalamin Metabolism. Identifiers: MedGen CN043592.
Cobalamin C disease. Also called: Methylmalonic aciduria with homocystinuria cblC type; Cobalamin-C methylmalonic acidemia and homocystinuria; Methylmalonic acidemia and homocystinuria cblC type; methylmalonic aciduria and homocystinuria type cblC; Methylmalonic aciduria and homocystinuria, Vitamin B12-responsive; Vitamin B12 metabolic defect with combined deficiency of methylmalonyl-CoA mutase and homocysteine:methyltetrahydrofolate methyltransferase. Identifiers: Orphanet 26, Orphanet 79282, MedGen C1848561, MONDO:0010184, OMIM 277400.

Allele frequency attached by ClinVar (database versions not stated): ESP Exome Variant Server 0.41619; gnomAD 0.43226 and 0.43693; TOPMed 0.43280; gnomAD exomes 0.44597 and 0.47219; ExAC 0.46635; 1000 Genomes Project 30x 0.47267; 1000 Genomes Project 0.47524.
gnomAD v4.1: 718,561 of 1,613,554 alleles (45%); highest among the groups gnomAD compares: East Asian, 58%; 161,108 homozygotes.

Submissions (14):

Labcorp Genetics (formerly Invitae), Labcorp
Classification: Benign for Cobalamin C disease. Last evaluated: 2026-02-04. Review status: criteria provided, single submitter. Criteria: Invitae Variant Classification Sherloc (09022015). Collection method: clinical testing. Allele origin: germline.

ARUP Laboratories, Molecular Genetics and Genomics, ARUP Laboratories
Classification: Benign for Cobalamin C disease. Last evaluated: 2025-07-28. Review status: criteria provided, single submitter. Criteria: ARUP Molecular Germline Variant Investigation Process 2024. Collection method: clinical testing. Allele origin: germline.

Blueprint Genetics
Classification: Benign. Last evaluated: 2024-11-26. Review status: criteria provided, single submitter. Criteria: ACMG Guidelines, 2015. Collection method: clinical testing. Allele origin: germline.

Mayo Clinic Laboratories, Mayo Clinic
Classification: Benign. Last evaluated: 2022-03-31. Review status: criteria provided, single submitter. Criteria: ACMG Guidelines, 2015. Collection method: clinical testing. Allele origin: germline. Observed: 1,762 variant alleles.

Genome-Nilou Lab
Classification: Benign for Cobalamin C disease. Last evaluated: 2021-07-01. Review status: criteria provided, single submitter. Criteria: ACMG Guidelines, 2015. Collection method: clinical testing. Allele origin: germline. Affected: no.

Illumina Laboratory Services, Illumina
Classification: Benign for Disorders of Intracellular Cobalamin Metabolism. Last evaluated: 2018-01-13. Review status: criteria provided, single submitter. Criteria: ICSL Variant Classification Criteria 13 December 2019. Collection method: clinical testing. Allele origin: germline.
Comment: This variant was observed in the ICSL laboratory as part of a predisposition screen in an ostensibly healthy population. It had not been previously curated by ICSL or reported in the Human Gene Mutation Database (HGMD: prior to June 1st, 2018), and was therefore a candidate for classification through an automated scoring system. Utilizing variant allele frequency, disease prevalence and penetrance estimates, and inheritance mode, an automated score was calculated to assess if this variant is too frequent to cause the disease. Based on the score and internal cut-off values, a variant classified as benign is not then subjected to further curation. The score for this variant resulted in a classification of benign for this disease.

Women's Health and Genetics/Laboratory Corporation of America, LabCorp
Classification: Benign. Last evaluated: 2016-01-25. Review status: criteria provided, single submitter. Criteria: LabCorp Variant Classification Summary - May 2015. Collection method: clinical testing. Allele origin: germline.
Comment: Variant summary: The c.321G>A in MMACHC gene is a synonymous change that involves a non-conserved nucleotide. 3/5 programs in Alamut predict that this variant does not affect normal splicing, however no functional studies supporting this notion were published at the time of evaluation. The variant is present in the control population dataset of ExAC at an overall frequency of 47%, suggesting it is a common polymorphism. The variant has been reported as Benign by several reputable databases/clinical laboratories. Taken together, this variant has been classified as Benign.

Eurofins Ntd Llc (ga)
Classification: Benign. Last evaluated: 2015-10-06. Review status: criteria provided, single submitter. Criteria: EGL Classification Definitions 2015. Collection method: clinical testing. Allele origin: germline. Observed: 23 variant alleles, 14 heterozygotes, 9 homozygotes.

GeneDx
Classification: Benign. Last evaluated: 2013-05-29. Review status: criteria provided, single submitter. Criteria: GeneDx Variant Classification (06012015). Collection method: clinical testing. Allele origin: germline. Affected: yes.
Comment: This variant is considered likely benign or benign based on one or more of the following criteria: it is a conservative change, it occurs at a poorly conserved position in the protein, it is predicted to be benign by multiple in silico algorithms, and/or has population frequency not consistent with disease.

Breakthrough Genomics
Classification: Benign. Review status: criteria provided, single submitter. Criteria: ACMG Guidelines, 2015. Collection method: not provided. Allele origin: germline. Inheritance: Autosomal recessive inheritance. Affected: yes.

PreventionGenetics, part of Exact Sciences
Classification: Benign. Review status: criteria provided, single submitter. Criteria: ACMG Guidelines, 2015. Collection method: clinical testing. Allele origin: germline.

Clinical Genetics, Academic Medical Center
Classification: Benign. Review status: no assertion criteria provided. Collection method: clinical testing. Allele origin: germline. Affected: yes. Study: VKGL Data-share Consensus. Not counted in ClinVar's aggregate classification.

Diagnostic Laboratory, Department of Genetics, University Medical Center Groningen
Classification: Benign. Review status: no assertion criteria provided. Collection method: clinical testing. Allele origin: germline. Affected: yes. Study: VKGL Data-share Consensus. Not counted in ClinVar's aggregate classification.

Joint Genome Diagnostic Labs from Nijmegen and Maastricht, Radboudumc and MUMC+
Classification: Benign. Review status: no assertion criteria provided. Collection method: clinical testing. Allele origin: germline. Affected: yes. Study: VKGL Data-share Consensus. Not counted in ClinVar's aggregate classification.